The following is an entry in ClinVar:

ClinVar aggregate classification (germline): Pathogenic. Review status: criteria provided, multiple submitters, no conflicts (2 of 4 stars). 4 submissions from 4 submitters: Pathogenic (4). Last evaluated 2023-10-20.

Conditions:
Muscular dystrophy, limb-girdle, autosomal dominant 4. Also called: Calpain-3-related limb-girdle muscular dystrophy D4; MUSCULAR DYSTROPHY, LIMB-GIRDLE, TYPE 1I. Identifiers: Orphanet 565909, MedGen C4748295, MONDO:0029133, OMIM 618129.
Autosomal recessive limb-girdle muscular dystrophy type 2A (LGMDR1). Also called: Limb-girdle muscular dystrophy, type 2A; Calpainopathy; LEYDEN-MOEBIUS MUSCULAR DYSTROPHY; MUSCULAR DYSTROPHY, PELVOFEMORAL; Muscular dystrophy, limb-girdle, type 2A, Amish. Identifiers: Orphanet 267, MedGen C1869123, MONDO:0009675, OMIM 253600. Disease mechanism: loss of function.

Submissions (4):

Labcorp Genetics (formerly Invitae), Labcorp
Classification: Pathogenic for Autosomal recessive limb-girdle muscular dystrophy type 2A. Last evaluated: 2023-10-20. Review status: criteria provided, single submitter. Criteria: Invitae Variant Classification Sherloc (09022015). Collection method: clinical testing. Allele origin: germline.
Comment: This sequence change creates a premature translational stop signal (p.Ile162Serfs*17) in the CAPN3 gene. It is expected to result in an absent or disrupted protein product. Loss-of-function variants in CAPN3 are known to be pathogenic (PMID: 10330340, 15689361). This variant is not present in population databases (gnomAD no frequency). This premature translational stop signal has been observed in individual(s) with limb girdle muscular dystrophy type 2 (PMID: 16650086). ClinVar contains an entry for this variant (Variation ID: 217156). For these reasons, this variant has been classified as Pathogenic.

Baylor Genetics
Classification: Pathogenic for Muscular dystrophy, limb-girdle, autosomal dominant 4. Last evaluated: 2023-06-19. Review status: criteria provided, single submitter. Criteria: ACMG Guidelines, 2015. Collection method: clinical testing. Allele origin: unknown.

Broad Center for Mendelian Genomics, Broad Institute of MIT and Harvard
Classification: Pathogenic for Autosomal recessive limb-girdle muscular dystrophy type 2A. Last evaluated: 2018-12-03. Review status: criteria provided, single submitter. Criteria: ACMG Guidelines, 2015. Collection method: research. Allele origin: germline. Inheritance: Autosomal recessive inheritance. Affected: yes.
Comment: The presence of this variant in combination with a pathogenic variant and in an individual with LGMD increases the likelihood that the p.Ile162SerfsTer17 variant is pathogenic. This variant was absent from large population studies. This variant is predicted to cause a frameshift, which alters the protein's amino acid sequence beginning at position 162 and leads to a premature termination codon 17 amino acids downstream. This alteration is then predicted to lead to a truncated or absent protein. Loss of function of the CAPN3 gene is an established disease mechanism in autosomal recessive LGMD. In summary, this variant meets criteria to be classified as pathogenic for LGMD in an autosomal recessive manner based on the predicted impact of the variant and the presence of another pathogenic variant in one individual with LGMD. ACMG/AMP Criteria applied: PM2, PVS1, PM3 (Richards 2015).

Athena Diagnostics
Classification: Pathogenic. Last evaluated: 2018-08-27. Review status: criteria provided, single submitter. Criteria: Athena Diagnostics Criteria. Collection method: clinical testing. Allele origin: germline.
Comment: The variant results in a shift of the reading frame, and is therefore predicted to significantly disrupt the protein structure. Found in at least one symptomatic patient, and not found in general population data. Moderate co-segregation with disease.

Literature cited by the submitters: PubMed 10330340 (cited by Labcorp Genetics (formerly Invitae), Labcorp); PubMed 15689361 (cited by Labcorp Genetics (formerly Invitae), Labcorp); PubMed 16650086 (cited by Labcorp Genetics (formerly Invitae), Labcorp and Athena Diagnostics); PubMed 21172462 (cited by Athena Diagnostics); PubMed 25079074 (cited by Athena Diagnostics).

NM_000070.3(CAPN3):c.483del (p.Ile162fs)

Genes: CAPN3 (calpain 3; plus strand), LOC126862115 (BRD4-independent group 4 enhancer GRCh37_chr15:42677734-42678933; plus strand). Cytogenetic location: 15q15.1.
Variant type: Deletion.
Coding change: c.483del on transcript NM_000070.3 (MANE Select); coding-DNA position 483, one base deleted (G; older notation c.483delG).
Protein change: p.Ile162fs; shifts the reading frame from isoleucine 162.
Molecular consequence: frameshift variant.
Genome position (GRCh38, 1-based): chr15:42,386,270, G deleted; the last of 3 consecutive G bases (chr15:42,386,268-42,386,270); deleting any one gives the same sequence. VCF-style (leftmost placement, unchanged base first): chr15-42386267-AG-A. GRCh37 (hg19) VCF-style: chr15-42678465-AG-A.
Other names: c.483del, p.Ile162fs (NM_024344.2, NM_173087.2); short protein forms I162fs.
Identifiers: ClinVar variation 217156 (VCV000217156.12), dbSNP rs863224963, ClinGen allele CA347477.